The following is an entry in ClinVar:

NM_004304.5(ALK):c.311C>G (p.Pro104Arg)

Gene: ALK (ALK receptor tyrosine kinase; minus strand). Cytogenetic location: 2p23.1.
Variant type: single nucleotide variant.
Coding change: c.311C>G on transcript NM_004304.5 (MANE Select); coding-DNA position 311, C replaced by G.
Protein change: p.Pro104Arg; replaces proline 104 with arginine.
Molecular consequence: missense variant.
Genome position (GRCh38, 1-based): chr2:29,920,349, G>C on the plus strand (C>G on the coding strand, the complement: ALK is on the minus strand). VCF-style: chr2-29920349-G-C. GRCh37 (hg19) VCF-style: chr2-30143215-G-C.
Other names: c.311C>G (NM_004304.4); short protein forms P104R.
Identifiers: ClinVar variation 2915162 (VCV002915162.5), dbSNP rs2148443543, ClinGen allele CA346590283.

ClinVar aggregate classification (germline): Uncertain significance. Review status: criteria provided, multiple submitters, no conflicts (2 of 4 stars). 2 submissions from 2 submitters: Uncertain significance (2). Last evaluated 2026-04-22.

Conditions:
Hereditary cancer-predisposing syndrome. Also called: Hereditary neoplastic syndrome; Neoplastic Syndromes, Hereditary; Tumor predisposition; Hereditary Cancer Syndrome. Identifiers: Orphanet 140162, MedGen C0027672, MeSH D009386, MONDO:0015356.
Neuroblastoma, susceptibility to, 3. Also called: ALK-Related Neuroblastic Tumor Susceptibility. Identifiers: Orphanet 635, MedGen C2751681, MONDO:0013083, OMIM 613014.

gnomAD v4.1: 3 of 1,551,862 alleles (0.00019%); highest among the groups gnomAD compares: South Asian, 0.0012%; no homozygotes.

Submissions (2):

Ambry Genetics
Classification: Uncertain significance for Hereditary cancer-predisposing syndrome. Last evaluated: 2026-04-22. Review status: criteria provided, single submitter. Criteria: Ambry Variant Classification Scheme 2023. Collection method: clinical testing. Allele origin: germline.
Comment: The p.P104R variant (also known as c.311C>G), located in coding exon 1 of the ALK gene, results from a C to G substitution at nucleotide position 311. The proline at codon 104 is replaced by arginine, an amino acid with dissimilar properties. This amino acid position is conserved. In addition, this alteration is predicted to be tolerated by in silico analysis. Based on the available evidence, the clinical significance of this variant remains unclear.

Labcorp Genetics (formerly Invitae), Labcorp
Classification: Uncertain significance for Neuroblastoma, susceptibility to, 3. Last evaluated: 2024-10-30. Review status: criteria provided, single submitter. Criteria: Invitae Variant Classification Sherloc (09022015). Collection method: clinical testing. Allele origin: germline.
Comment: This sequence change replaces proline, which is neutral and non-polar, with arginine, which is basic and polar, at codon 104 of the ALK protein (p.Pro104Arg). This variant is not present in population databases (gnomAD no frequency). This variant has not been reported in the literature in individuals affected with ALK-related conditions. ClinVar contains an entry for this variant (Variation ID: 2915162). An algorithm developed to predict the effect of missense changes on protein structure and function outputs the following: PolyPhen-2: "Benign". The arginine amino acid residue is found in multiple mammalian species, which suggests that this missense change does not adversely affect protein function. In summary, the available evidence is currently insufficient to determine the role of this variant in disease. Therefore, it has been classified as a Variant of Uncertain Significance.